The following is an entry in ClinVar:

NM_007294.4(BRCA1):c.45T>C (p.Ile15=)

Gene: BRCA1 (BRCA1 DNA repair associated; minus strand). Cytogenetic location: 17q21.31.
Variant type: single nucleotide variant.
Coding change: c.45T>C on transcript NM_007294.4 (MANE Select); coding-DNA position 45, T replaced by C.
Protein change: p.Ile15=; no amino-acid change (isoleucine 15 retained).
Molecular consequence: synonymous variant. On other transcripts: 5 prime UTR variant (136), intron variant (36).
Genome position (GRCh38, 1-based): chr17:43,124,052, A>G on the plus strand (T>C on the coding strand, the complement: BRCA1 is on the minus strand). VCF-style: chr17-43124052-A-G. GRCh37 (hg19) VCF-style: chr17-41276069-A-G.
Other names: c.-144T>C (NM_001407571.1, NM_001407853.1, NM_001407879.1 and 46 more transcripts); c.45T>C, p.Ile15= (NM_001407581.1, NM_001407582.1, NM_001407583.1 and 193 more transcripts); c.-213T>C (NM_001407694.1, NM_001407724.1, NM_001407727.1 and 11 more transcripts); c.-217T>C (NM_001407695.1, NM_001408465.1); c.-358T>C (NM_001407696.1); c.-242T>C (NM_001407697.1, NM_001407846.1, NM_001407920.1); c.-43T>C (NM_001407698.1, NM_001407732.1, NM_001407736.1 and 23 more transcripts); c.-216T>C (NM_001407725.1, NM_001407730.1, NM_001407734.1 and 22 more transcripts); and 23 more.
Identifiers: ClinVar variation 867713 (VCV000867713.3), dbSNP rs2055730198, ClinGen allele CA500131447.

Conditions:
Breast-ovarian cancer, familial, susceptibility to, 1 (BROVCA1). Also called: BRCA1 Hereditary Breast and Ovarian Cancer; OVARIAN CANCER, SUSCEPTIBILITY TO. Identifiers: Orphanet 145, MedGen C2676676, MONDO:0011450, OMIM 604370. Disease mechanism: loss of function.

Submission:

Brotman Baty Institute, University of Washington
No classification provided (evidence only). Condition: Breast-ovarian cancer, familial 1. Review status: no classification provided. Collection method: in vitro. Allele origin: not applicable. Functional consequence: functionally_normal.
ClinVar note: "not provided" was previously submitted as the classification for the variant. However, the classification appeared to be based only on an observation of functional data so it was converted to no classification on 2025-07-30.